The following is an entry in ClinVar:

ClinVar aggregate classification (germline): Uncertain significance (1 of 4 stars; one submission).

Submission:

GeneDx
Classification: Uncertain significance. Last evaluated: 2024-04-12. Review status: criteria provided, single submitter. Criteria: GeneDx Variant Classification Process June 2021. Collection method: clinical testing. Allele origin: germline. Affected: yes.
Comment: Not observed at significant frequency in large population cohorts (gnomAD); Has not been previously published as pathogenic or benign to our knowledge; In silico analysis suggests this variant may impact gene splicing. In the absence of RNA/functional studies, the actual effect of this sequence change is unknown.

NM_015021.3(ZNF292):c.168+4A>T

Genes: ZNF292 (zinc finger protein 292; plus strand), LOC129996783 (ATAC-STARR-seq lymphoblastoid active region 24794; plus strand). Cytogenetic location: 6q14.3.
Variant type: single nucleotide variant.
Coding change: c.168+4A>T on transcript NM_015021.3 (MANE Select); 4 bases into the intron after coding-DNA position 168, A replaced by T.
Molecular consequence: intron variant.
Genome position (GRCh38, 1-based): chr6:87,155,763, A>T. VCF-style: chr6-87155763-A-T. GRCh37 (hg19) VCF-style: chr6-87865481-A-T.
Other names: c.-398+4A>T (NM_001351444.2).
Identifiers: ClinVar variation 3372473 (VCV003372473.1).